The following is an entry in ClinVar:

ClinVar aggregate classification (germline): Uncertain significance (1 of 4 stars; one submission).

Allele frequency attached by ClinVar (database versions not stated): gnomAD exomes below 0.00001.
gnomAD v4.1: 2 of 1,613,726 alleles (0.00012%); highest among the groups gnomAD compares: East Asian, 0.0045%; no homozygotes.

Submission:

Labcorp Genetics (formerly Invitae), Labcorp
Classification: Uncertain significance. Last evaluated: 2022-08-15. Review status: criteria provided, single submitter. Criteria: Invitae Variant Classification Sherloc (09022015). Collection method: clinical testing. Allele origin: germline.
Comment: This sequence change replaces glutamic acid, which is acidic and polar, with lysine, which is basic and polar, at codon 3273 of the LRP2 protein (p.Glu3273Lys). This variant is not present in population databases (gnomAD no frequency). This variant has not been reported in the literature in individuals affected with LRP2-related conditions. ClinVar contains an entry for this variant (Variation ID: 1429662). Algorithms developed to predict the effect of missense changes on protein structure and function are either unavailable or do not agree on the potential impact of this missense change (SIFT: "Deleterious"; PolyPhen-2: "Benign"; Align-GVGD: "Class C55"). In summary, the available evidence is currently insufficient to determine the role of this variant in disease. Therefore, it has been classified as a Variant of Uncertain Significance.

NM_004525.3(LRP2):c.9817G>A (p.Glu3273Lys)

Gene: LRP2 (LDL receptor related protein 2; minus strand). Cytogenetic location: 2q31.1.
Variant type: single nucleotide variant.
Coding change: c.9817G>A on transcript NM_004525.3 (MANE Select); coding-DNA position 9817, G replaced by A.
Protein change: p.Glu3273Lys; replaces glutamic acid 3273 with lysine.
Molecular consequence: missense variant.
Genome position (GRCh38, 1-based): chr2:169,185,531, C>T on the plus strand (G>A on the coding strand, the complement: LRP2 is on the minus strand). VCF-style: chr2-169185531-C-T. GRCh37 (hg19) VCF-style: chr2-170042041-C-T.
Other names: short protein forms E3273K.
Identifiers: ClinVar variation 1429662 (VCV001429662.5), dbSNP rs2105301386, ClinGen allele CA349152866.